The following is an entry in ClinVar:

ClinVar aggregate classification (germline): Pathogenic. Review status: criteria provided, multiple submitters, no conflicts (2 of 4 stars). 5 submissions from 5 submitters: Pathogenic (5). Last evaluated 2025-12-01.

Conditions:
Hereditary cancer-predisposing syndrome. Also called: Neoplastic Syndromes, Hereditary; Hereditary Cancer Syndrome; Hereditary neoplastic syndrome; Tumor predisposition. Identifiers: Orphanet 140162, MedGen C0027672, MeSH D009386, MONDO:0015356.
Hereditary breast ovarian cancer syndrome. Also called: Hereditary breast and ovarian cancer syndrome (HBOC); Hereditary breast and ovarian cancer syndrome; Breast and ovarian cancer; Hereditary breast and/or ovarian cancer syndrome; Hereditary breast and ovarian cancer; BRCA1- and BRCA2-Associated Hereditary Breast and Ovarian Cancer. Identifiers: Orphanet 145, MedGen C0677776, MeSH D061325, MONDO:0003582. Disease mechanism: loss of function.
Familial cancer of breast. Also called: BREAST CANCER, FAMILIAL; Hereditary breast cancer; hereditary breast carcinoma. Identifiers: Orphanet 227535, MedGen C0346153, MONDO:0016419, OMIM 114480. Disease mechanism: loss of function.

Allele frequency attached by ClinVar (database versions not stated): gnomAD exomes below 0.00001.

Submissions (5):

Labcorp Genetics (formerly Invitae), Labcorp
Classification: Pathogenic for Hereditary breast ovarian cancer syndrome. Last evaluated: 2025-12-01. Review status: criteria provided, single submitter. Criteria: Invitae Variant Classification Sherloc (09022015). Collection method: clinical testing. Allele origin: germline.
Comment: This sequence change creates a premature translational stop signal (p.Gln1683*) in the BRCA2 gene. It is expected to result in an absent or disrupted protein product. Loss-of-function variants in BRCA2 are known to be pathogenic (PMID: 20104584). This variant is not present in population databases (gnomAD no frequency). This variant has not been reported in the literature in individuals affected with BRCA2-related conditions. ClinVar contains an entry for this variant (Variation ID: 462364). For these reasons, this variant has been classified as Pathogenic.

Women's Health and Genetics/Laboratory Corporation of America, LabCorp
Classification: Pathogenic for Hereditary breast ovarian cancer syndrome. Last evaluated: 2024-10-24. Review status: criteria provided, single submitter. Criteria: LabCorp Variant Classification Summary - May 2015. Collection method: clinical testing. Allele origin: germline.
Comment: Variant summary: BRCA2 c.5047C>T (p.Gln1683X) results in a premature termination codon, predicted to cause a truncation of the encoded protein or absence of the protein due to nonsense mediated decay, which are commonly known mechanisms for disease. The variant was absent in 237770 control chromosomes. c.5047C>T has been reported in the literature in individuals affected with Hereditary Breast And Ovarian Cancer Syndrome (Wen_2023). To our knowledge, no experimental evidence demonstrating an impact on protein function has been reported. The following publication have been ascertained in the context of this evaluation (PMID: 28993434). ClinVar contains an entry for this variant (Variation ID: 462364). Based on the evidence outlined above, the variant was classified as pathogenic.

Ambry Genetics
Classification: Pathogenic for Hereditary cancer-predisposing syndrome. Last evaluated: 2023-03-30. Review status: criteria provided, single submitter. Criteria: Ambry Variant Classification Scheme 2023. Collection method: clinical testing. Allele origin: germline.
Comment: The p.Q1683* pathogenic mutation (also known as c.5047C>T), located in coding exon 10 of the BRCA2 gene, results from a C to T substitution at nucleotide position 5047. This changes the amino acid from a glutamine to a stop codon within coding exon 10. This alteration has been detected in 1/2575 unselected patients with breast cancer and 0/2809 healthy control individuals from a Malaysian cohort (Wen WX et al. J. Med. Genet., 2018 02;55:97-103). In addition to the clinical data presented in the literature, this alteration is expected to result in loss of function by premature protein truncation or nonsense-mediated mRNA decay. As such, this alteration is interpreted as a disease-causing mutation.

Baylor Genetics
Classification: Pathogenic for Familial cancer of breast. Last evaluated: 2023-01-16. Review status: criteria provided, single submitter. Criteria: ACMG Guidelines, 2015. Collection method: clinical testing. Allele origin: unknown.

Color Diagnostics, LLC DBA Color Health
Classification: Pathogenic for Hereditary cancer-predisposing syndrome. Last evaluated: 2022-02-15. Review status: criteria provided, single submitter. Criteria: ACMG Guidelines, 2015. Collection method: clinical testing. Allele origin: germline.
Comment: This variant changes 1 nucleotide in exon 11 of the BRCA2 gene, creating a premature translation stop signal. This variant is expected to result in an absent or non-functional protein product. This variant has been observed in 2 individuals affected with breast cancer (PMID: 28993434, 33471991; Leiden Open Variation Database DB-ID BRCA2_008286). This variant has not been identified in the general population by the Genome Aggregation Database (gnomAD). Loss of BRCA2 function is a known mechanism of disease. Based on the available evidence, this variant is classified as Pathogenic.

Literature cited by the submitters: PubMed 20104584 (cited by Labcorp Genetics (formerly Invitae), Labcorp); PubMed 28993434 (cited by 3 submitters); PubMed 33471991 (cited by Color Diagnostics, LLC DBA Color Health).

NM_000059.4(BRCA2):c.5047C>T (p.Gln1683Ter)

Gene: BRCA2 (BRCA2 DNA repair associated; plus strand). Cytogenetic location: 13q13.1.
Variant type: single nucleotide variant.
Coding change: c.5047C>T on transcript NM_000059.4 (MANE Select); coding-DNA position 5047, C replaced by T.
Protein change: p.Gln1683Ter; replaces glutamine 1683 with a stop codon.
Molecular consequence: nonsense.
Genome position (GRCh38, 1-based): chr13:32,339,402, C>T. VCF-style: chr13-32339402-C-T. GRCh37 (hg19) VCF-style: chr13-32913539-C-T.
Other names: short protein forms Q1683*.
Identifiers: ClinVar variation 462364 (VCV000462364.23), dbSNP rs1555284044, ClinGen allele CA387784014.